The following is an entry in ClinVar:

ClinVar aggregate classification (germline): Uncertain significance (1 of 4 stars; one submission).

Submission:

Labcorp Genetics (formerly Invitae), Labcorp
Classification: Uncertain significance. Last evaluated: 2025-09-08. Review status: criteria provided, single submitter. Criteria: Invitae Variant Classification Sherloc (09022015). Collection method: clinical testing. Allele origin: germline.
Comment: This sequence change replaces tryptophan, which is neutral and slightly polar, with arginine, which is basic and polar, at codon 1277 of the ASPM protein (p.Trp1277Arg). This variant is not present in population databases (gnomAD no frequency). This variant has not been reported in the literature in individuals affected with ASPM-related conditions. ClinVar contains an entry for this variant (Variation ID: 2130369). Invitae Evidence Modeling of protein sequence and biophysical properties (such as structural, functional, and spatial information, amino acid conservation, physicochemical variation, residue mobility, and thermodynamic stability) indicates that this missense variant is not expected to disrupt ASPM protein function with a negative predictive value of 80%. In summary, the available evidence is currently insufficient to determine the role of this variant in disease. Therefore, it has been classified as a Variant of Uncertain Significance.

NM_018136.5(ASPM):c.3829T>A (p.Trp1277Arg)

Gene: ASPM (assembly factor for spindle microtubules; minus strand). Cytogenetic location: 1q31.3.
Variant type: single nucleotide variant.
Coding change: c.3829T>A on transcript NM_018136.5 (MANE Select); coding-DNA position 3829, T replaced by A.
Protein change: p.Trp1277Arg; replaces tryptophan 1277 with arginine.
Molecular consequence: missense variant.
Genome position (GRCh38, 1-based): chr1:197,121,956, A>T on the plus strand (T>A on the coding strand, the complement: ASPM is on the minus strand). VCF-style: chr1-197121956-A-T. GRCh37 (hg19) VCF-style: chr1-197091086-A-T.
Other names: c.3829T>A, p.Trp1277Arg (NM_001206846.2); short protein forms W1277R.
Identifiers: ClinVar variation 2130369 (VCV002130369.4), dbSNP rs776039152, ClinGen allele CA344037665.
Genomic context (GRCh38, chr1:197,121,956, plus strand): 5'-TTTCATATTCTAGGAGTACCTGATGGCGTTTGAGATCTGTTTTTAGTTTATATTTTCTCC[A>T]TGTTGTTTGTATGAGTCGAGCAGCTCTTATTTCTTTACGAAGATCCAAAAGCCTTGCACA-3'
Protein context (NP_060606.3, residues 1267-1287): IRAARLIQTT[Trp1277Arg]RKYKLKTDLK